The following is an entry in ClinVar:

ClinVar aggregate classification (germline): Pathogenic. Review status: criteria provided, single submitter (1 of 4 stars). 2 submissions from 2 submitters: Pathogenic (1). 1 of the submissions does not count toward it. Last evaluated 2025-01-20.

Conditions:
Ornithine carbamoyltransferase deficiency (OTCD). Also called: ORNITHINE TRANSCARBAMYLASE DEFICIENCY, HYPERAMMONEMIA DUE TO; ORNITHINE TRANSCARBAMYLASE DEFICIENCY; OTC DEFICIENCY; Ornithine Carbamoyltransferase Deficiency Disease. Identifiers: Orphanet 664, MedGen C0268542, MONDO:0010703, OMIM 311250.

Submissions (2):

Revvity Omics, Revvity
Classification: Pathogenic for Ornithine carbamoyltransferase deficiency. Last evaluated: 2025-01-20. Review status: criteria provided, single submitter. Criteria: ACMG Guidelines, 2015. Collection method: clinical testing. Allele origin: germline.

GenMed Metabolism Lab
Classification: Pathogenic. Review status: no assertion criteria provided. Collection method: not provided. Allele origin: unknown. Not counted in ClinVar's aggregate classification.
ClinVar note: Converted during submission from pathogenic to Pathogenic.

NM_000531.6(OTC):c.491C>G (p.Ser164Ter)

Gene: OTC (ornithine transcarbamylase; plus strand). Cytogenetic location: Xp11.4.
Variant type: single nucleotide variant.
Coding change: c.491C>G on transcript NM_000531.6 (MANE Select); coding-DNA position 491, C replaced by G.
Protein change: p.Ser164Ter; replaces serine 164 with a stop codon.
Molecular consequence: nonsense.
Genome position (GRCh38, 1-based): chrX:38,401,379, C>G. VCF-style: chrX-38401379-C-G. GRCh37 (hg19) VCF-style: chrX-38260632-C-G.
Other names: short protein forms S164*.
Identifiers: ClinVar variation 97220 (VCV000097220.3), dbSNP rs72556274, ClinGen allele CA224642.